The following is an entry in ClinVar:

NM_001286.5(CLCN6):c.1028T>C (p.Ile343Thr)

Gene: CLCN6 (chloride voltage-gated channel 6; plus strand). Cytogenetic location: 1p36.22.
Variant type: single nucleotide variant.
Coding change: c.1028T>C on transcript NM_001286.5 (MANE Select); coding-DNA position 1028, T replaced by C.
Protein change: p.Ile343Thr; replaces isoleucine 343 with threonine.
Molecular consequence: missense variant. On other transcripts: non-coding transcript variant (1).
Genome position (GRCh38, 1-based): chr1:11,828,531, T>C. VCF-style: chr1-11828531-T-C. GRCh37 (hg19) VCF-style: chr1-11888588-T-C.
Other names: c.962T>C, p.Ile321Thr (NM_001256959.2); short protein forms I321T, I343T.
Identifiers: ClinVar variation 1401519 (VCV001401519.8), dbSNP rs778058594, ClinGen allele CA596318.
Genomic context (GRCh38, chr1:11,828,531, plus strand): 5'-ATAAAAAATGTCATCTCTGGACAGCTATGGATTTGGGTTTCTTCGTCGTGATGGGGGTCA[T>C]TGGGGGCCTCCTGGGAGCCACATTCAACTGTCTGAACAAGAGGCTTGCAAAGTACCGTAT-3'
Protein context (NP_001277.2, residues 333-353): DLGFFVVMGV[Ile343Thr]GGLLGATFNC

ClinVar aggregate classification (germline): Uncertain significance (1 of 4 stars; one submission).

Allele frequency attached by ClinVar (database versions not stated): ExAC 0.00001; gnomAD exomes 0.00001 and 0.00003; gnomAD 0.00004; TOPMed 0.00005.
gnomAD v4.1: 43 of 1,614,012 alleles (0.0027%); highest among the groups gnomAD compares: Admixed American, 0.01%; no homozygotes.

Submission:

Labcorp Genetics (formerly Invitae), Labcorp
Classification: Uncertain significance. Last evaluated: 2025-10-21. Review status: criteria provided, single submitter. Criteria: Invitae Variant Classification Sherloc (09022015). Collection method: clinical testing. Allele origin: germline.
Comment: This sequence change replaces isoleucine, which is neutral and non-polar, with threonine, which is neutral and polar, at codon 343 of the CLCN6 protein (p.Ile343Thr). This variant is present in population databases (rs778058594, gnomAD 0.004%). This variant has not been reported in the literature in individuals affected with CLCN6-related conditions. ClinVar contains an entry for this variant (Variation ID: 1401519). An algorithm developed to predict the effect of missense changes on protein structure and function (PolyPhen-2) suggests that this variant is likely to be tolerated. In summary, the available evidence is currently insufficient to determine the role of this variant in disease. Therefore, it has been classified as a Variant of Uncertain Significance.